The following is an entry in ClinVar:

ClinVar aggregate classification (germline): not provided (0 of 4 stars; one submission).

Conditions:
Normal pregnancy. Identifiers: MedGen C0232989.

Submission:

Institute of Molecular and Cell Biology, University of Tartu
No classification provided. Condition: Normal pregnancy. Review status: no classification provided. Collection method: case-control. Allele origin: unknown. Affected: yes. Study: Kasak2014.
Comment: The study aimed to determine the contribution of copy number variants in the genetic etiology of normal and complicated pregnancies. The samples represented (i) maternal blood DNA drawn from healthy pregnant women during 1st or 2nd trimester and (ii) maternal and paternal blood DNA drawn at term pregnancy cases representing normal and complicated gestations (severe preeclampsia, PE; gestational diabetes, GD; small-for-gestational age newborn, SGA; large-for-gestational age newborn, LGA). We performed CNV calling based on genome-wide genotyping dataset (Illumina HumanOmniExpress-24-v1 BeadChip) by applying three algorithms, QuantiSNP, GADA (Genome Alteration Detection Algorithm) and CNstream in parallel. The acquired CNV calls were merged with HD-CNV (Hotspot Detector for Copy Number Variants) program and only the CNVs predicted by at least two programs, were considered in subsequent analysis.

Literature cited by the submitters: PubMed 25666259.

NM_139286.3(CDC26):c.*369_*91225dup

Genes: FKBP15 (FKBP prolyl isomerase family member 15; minus strand), SLC31A1 (solute carrier family 31 member 1; plus strand), LOC126860733 (P300/CBP strongly-dependent group 1 enhancer GRCh37_chr9:115949815-115951014; plus strand), LOC130002409 (ATAC-STARR-seq lymphoblastoid active region 28833; plus strand), LOC130002410 (ATAC-STARR-seq lymphoblastoid active region 28834; plus strand) and 1 more. Cytogenetic location: 9q32.
Variant type: Duplication.
Coding change: c.*369_*91225dup on transcript NM_139286.3; 369 bases downstream of the stop codon through 91225 bases downstream of the stop codon, this stretch duplicated.
Identifiers: ClinVar variation 157152 (VCV000157152.2).